The following is an entry in ClinVar:

ClinVar aggregate classification (germline): Pathogenic (1 of 4 stars; one submission).

Submission:

CeGaT Center for Human Genetics Tuebingen
Classification: Pathogenic. Last evaluated: 2023-11-01. Review status: criteria provided, single submitter. Criteria: CeGaT Center For Human Genetics Tuebingen Variant Classification Criteria Version 2. Collection method: clinical testing. Allele origin: germline. Affected: yes. Observed: 2 variant alleles.
Comment: SALL1: PVS1, PM2

NM_002968.3(SALL1):c.633_634del (p.Gln212fs)

Gene: SALL1 (spalt like transcription factor 1; minus strand). Cytogenetic location: 16q12.1.
Variant type: Deletion.
Coding change: c.633_634del on transcript NM_002968.3 (MANE Select); coding-DNA positions 633 to 634, 2 bases deleted (CC; older notation c.633_634delCC).
Protein change: p.Gln212fs; shifts the reading frame from glutamine 212.
Molecular consequence: frameshift variant.
Genome position (GRCh38, 1-based): chr16:51,141,588-51,141,589, GG deleted on the plus strand (CC on the coding strand, the reverse complement: SALL1 is on the minus strand); deleting any 2 consecutive bases within chr16:51,141,588-51,141,590 gives the same sequence; the c. name uses the placement nearest the transcript's 3' end. VCF-style (leftmost placement, unchanged base first): chr16-51141587-TGG-T. GRCh37 (hg19) VCF-style: chr16-51175498-TGG-T.
Other names: c.342_343del, p.Gln115fs (NM_001127892.2); short protein forms Q115fs, Q212fs.
Identifiers: ClinVar variation 2646526 (VCV002646526.24), dbSNP rs2506495989, ClinGen allele CA2695197647.